The following is an entry in ClinVar:

NM_032229.3(SLITRK6):c.1492C>A (p.Pro498Thr)

Gene: SLITRK6 (SLIT and NTRK like family member 6; minus strand). Cytogenetic location: 13q31.1.
Variant type: single nucleotide variant.
Coding change: c.1492C>A on transcript NM_032229.3 (MANE Select); coding-DNA position 1492, C replaced by A.
Protein change: p.Pro498Thr; replaces proline 498 with threonine.
Molecular consequence: missense variant.
Genome position (GRCh38, 1-based): chr13:85,795,017, G>T on the plus strand (C>A on the coding strand, the complement: SLITRK6 is on the minus strand). VCF-style: chr13-85795017-G-T. GRCh37 (hg19) VCF-style: chr13-86369152-G-T.
Other names: short protein forms P498T.
Identifiers: ClinVar variation 1331320 (VCV001331320.4), dbSNP rs755925837, ClinGen allele CA7015090.

ClinVar aggregate classification (germline): Uncertain significance (1 of 4 stars; one submission).

Allele frequency attached by ClinVar (database versions not stated): gnomAD exomes below 0.00001 and 0.00001; TOPMed below 0.00001; ExAC 0.00001.
gnomAD v4.1: 4 of 1,612,962 alleles (0.00025%); highest among the groups gnomAD compares: Non-Finnish European, 0.00034%; no homozygotes.

Submission:

GeneDx
Classification: Uncertain significance. Last evaluated: 2023-09-19. Review status: criteria provided, single submitter. Criteria: GeneDx Variant Classification Process June 2021. Collection method: clinical testing. Allele origin: germline. Affected: yes.
Comment: Not observed at significant frequency in large population cohorts (gnomAD); In silico analysis supports that this missense variant has a deleterious effect on protein structure/function; Has not been previously published as pathogenic or benign to our knowledge